The following is an entry in ClinVar:

ClinVar aggregate classification (germline): Pathogenic. Review status: criteria provided, multiple submitters, no conflicts (2 of 4 stars). 2 submissions from 2 submitters: Pathogenic (2). Last evaluated 2025-12-15.

Conditions:
ENHANCED S-CONE SYNDROME 1 (ESCS1). Also called: RETINOSCHISIS WITH EARLY HEMERALOPIA; FAVRE HYALOIDEORETINAL DEGENERATION. Identifiers: MedGen CN380299, OMIM 268100.

Submissions (2):

Myriad Genetics, Inc.
Classification: Pathogenic for ENHANCED S-CONE SYNDROME 1. Last evaluated: 2025-12-15. Review status: criteria provided, single submitter. Criteria: Myriad Autosomal Dominant, Autosomal Recessive and X-Linked Classification Criteria (2023). Collection method: clinical testing. Allele origin: unknown.
Comment: NM_014249.2(NR2E3):c.457delG(A153Qfs*26) is a frameshift variant classified as pathogenic in the context of enhanced S-cone syndrome. A153Qfs*26 has not been observed in cases with relevant disease. Relevant functional assessments of this variant are not available in the literature. A153Qfs*26 has not been observed in referenced population frequency databases. In summary, NM_014249.2(NR2E3):c.457delG(A153Qfs*26) is a frameshift variant in a gene where loss of function is a known mechanism of disease and is predicted to disrupt protein function. Please note: this variant was assessed in the context of healthy population screening.

Labcorp Genetics (formerly Invitae), Labcorp
Classification: Pathogenic. Last evaluated: 2020-09-02. Review status: criteria provided, single submitter. Criteria: Invitae Variant Classification Sherloc (09022015). Collection method: clinical testing. Allele origin: germline.
Comment: Loss-of-function variants in NR2E3 are known to be pathogenic (PMID: 15459973, 27522502). For these reasons, this variant has been classified as Pathogenic. This variant has not been reported in the literature in individuals with NR2E3-related conditions. This sequence change creates a premature translational stop signal (p.Ala153Glnfs*26) in the NR2E3 gene. It is expected to result in an absent or disrupted protein product. This variant is not present in population databases (ExAC no frequency).

Literature cited by the submitters: PubMed 15459973 (cited by Labcorp Genetics (formerly Invitae), Labcorp); PubMed 27522502 (cited by Labcorp Genetics (formerly Invitae), Labcorp).

NM_014249.4(NR2E3):c.457del (p.Ala153fs)

Gene: NR2E3 (nuclear receptor subfamily 2 group E member 3; plus strand). Cytogenetic location: 15q23.
Variant type: Deletion.
Coding change: c.457del on transcript NM_014249.4 (MANE Select); coding-DNA position 457, one base deleted (G; older notation c.457delG).
Protein change: p.Ala153fs; shifts the reading frame from alanine 153.
Molecular consequence: frameshift variant.
Genome position (GRCh38, 1-based): chr15:71,812,062, G deleted; the last of 2 consecutive G bases (chr15:71,812,061-71,812,062); deleting either gives the same sequence. VCF-style (leftmost placement, unchanged base first): chr15-71812060-CG-C. GRCh37 (hg19) VCF-style: chr15-72104400-CG-C.
Other names: c.457del, p.Ala153fs (NM_016346.4); short protein forms A153fs.
Identifiers: ClinVar variation 1074070 (VCV001074070.8), dbSNP rs2140289524, ClinGen allele CA2499223072.
Genomic context (GRCh38, chr15:71,812,060, plus strand): 5'-TGGACAGCATGGAGTCCAACACTGAGTCCCGGCCGGAGTCCCTGGTGGCTCCCCCGGCCC[CG>C]GCAGGGCGCAGCCCACGGGGCCCCACACCCATGTCTGCAGCCAGAGCCCTGGGCCACCAC-3'